The following is an entry in ClinVar:

NM_000112.4(SLC26A2):c.823C>G (p.Leu275Val)

Gene: SLC26A2 (solute carrier family 26 member 2; plus strand). Cytogenetic location: 5q32.
Variant type: single nucleotide variant.
Coding change: c.823C>G on transcript NM_000112.4 (MANE Select); coding-DNA position 823, C replaced by G.
Protein change: p.Leu275Val; replaces leucine 275 with valine.
Molecular consequence: missense variant.
Genome position (GRCh38, 1-based): chr5:149,980,416, C>G. VCF-style: chr5-149980416-C-G. GRCh37 (hg19) VCF-style: chr5-149359979-C-G.
Other names: short protein forms L275V.
Identifiers: ClinVar variation 3748167 (VCV003748167.2).

ClinVar aggregate classification (germline): Uncertain significance (1 of 4 stars; one submission).

Conditions:
Diastrophic dysplasia (DTD). Also called: Diastrophic dwarfism. Identifiers: Orphanet 628, MedGen C0220726, MONDO:0009107, OMIM 222600.
Multiple epiphyseal dysplasia type 4 (EDM4). Also called: Multiple Epiphyseal Dysplasia, Recessive; MULTIPLE EPIPHYSEAL DYSPLASIA WITH BILAYERED PATELLAE; MULTIPLE EPIPHYSEAL DYSPLASIA WITH CLUBFOOT; MULTIPLE EPIPHYSEAL DYSPLASIA, AUTOSOMAL RECESSIVE; SLC26A2-Related Multiple Epiphyseal Dysplasia. Identifiers: Orphanet 93307, MedGen C1847593, MONDO:0009189, OMIM 226900.
Achondrogenesis, type IB (ACG1B). Also called: Achondrogenesis Type 1B. Identifiers: Orphanet 932, Orphanet 93298, MedGen C0265274, MONDO:0010966, OMIM 600972.
Atelosteogenesis type II (AO2). Also called: NEONATAL OSSEOUS DYSPLASIA I; Neonatal osseous dysplasia 1; SLC26A2-Related Atelosteogenesis. Identifiers: Orphanet 56304, MedGen C1850554, MONDO:0009727, OMIM 256050.

Submission:

Labcorp Genetics (formerly Invitae), Labcorp
Classification: Uncertain significance for Atelosteogenesis type II; Multiple epiphyseal dysplasia type 4; Achondrogenesis, type IB; Diastrophic dysplasia. Last evaluated: 2024-10-15. Review status: criteria provided, single submitter. Criteria: Invitae Variant Classification Sherloc (09022015). Collection method: clinical testing. Allele origin: germline.
Comment: This sequence change replaces leucine, which is neutral and non-polar, with valine, which is neutral and non-polar, at codon 275 of the SLC26A2 protein (p.Leu275Val). This variant is not present in population databases (gnomAD no frequency). This variant has not been reported in the literature in individuals affected with SLC26A2-related conditions. Invitae Evidence Modeling of protein sequence and biophysical properties (such as structural, functional, and spatial information, amino acid conservation, physicochemical variation, residue mobility, and thermodynamic stability) indicates that this missense variant is not expected to disrupt SLC26A2 protein function with a negative predictive value of 80%. In summary, the available evidence is currently insufficient to determine the role of this variant in disease. Therefore, it has been classified as a Variant of Uncertain Significance.